The following is an entry in ClinVar:

ClinVar aggregate classification (germline): Conflicting classifications of pathogenicity. Review status: criteria provided, conflicting classifications (1 of 4 stars). 3 submissions from 3 submitters: Uncertain significance (2); Likely benign (1). Last evaluated 2025-11-25.

Conditions:
Ehlers-Danlos syndrome (EDS). Identifiers: Orphanet 98249, MedGen C0013720, MONDO:0020066.

Allele frequency attached by ClinVar (database versions not stated): gnomAD 0.00014 and 0.00013; 1000 Genomes Project 0.00020; 1000 Genomes Project 30x 0.00031; TOPMed 0.00016.
gnomAD v4.1: 394 of 1,613,380 alleles (0.024%); highest among the groups gnomAD compares: Non-Finnish European, 0.03%; no homozygotes.

Submissions (3):

Mayo Clinic Laboratories, Mayo Clinic
Classification: Uncertain significance. Last evaluated: 2025-11-25. Review status: criteria provided, single submitter. Criteria: ACMG Guidelines, 2015. Collection method: clinical testing. Allele origin: germline. Observed: 2 variant alleles.
Comment: PP3

Women's Health and Genetics/Laboratory Corporation of America, LabCorp
Classification: Likely benign. Last evaluated: 2025-11-11. Review status: criteria provided, single submitter. Criteria: LabCorp Variant Classification Summary - May 2015. Collection method: clinical testing. Allele origin: germline.

Genome Diagnostics Laboratory, The Hospital for Sick Children
Classification: Uncertain significance for Ehlers-Danlos syndrome. Last evaluated: 2018-11-01. Review status: criteria provided, single submitter. Criteria: ACMG Guidelines, 2015. Collection method: clinical testing. Allele origin: germline.

NM_001365276.2(TNXB):c.11387-10A>G

Genes: TNXB (tenascin XB; minus strand), LOC106780803 (tenascin XB recombination region; plus strand). Cytogenetic location: 6p21.33.
Variant type: single nucleotide variant.
Coding change: c.11387-10A>G on transcript NM_001365276.2 (MANE Select); 10 bases into the intron before coding-DNA position 11387, A replaced by G.
Molecular consequence: intron variant.
Genome position (GRCh38, 1-based): chr6:32,043,902, T>C on the plus strand (A>G on the coding strand, the complement: TNXB is on the minus strand). VCF-style: chr6-32043902-T-C. GRCh37 (hg19) VCF-style: chr6-32011679-T-C.
Other names: p.?; c.11381-10A>G (NM_019105.8); c.674-10A>G (NM_032470.4).
Identifiers: ClinVar variation 1702302 (VCV001702302.5), dbSNP rs549209308, ClinGen allele CA3733023.